The following is an entry in ClinVar:

ClinVar aggregate classification (germline): Uncertain significance (1 of 4 stars; one submission).

Conditions:
Blau syndrome (BLAUS). Also called: ARTHROCUTANEOUVEAL GRANULOMATOSIS; GRANULOMATOSIS, FAMILIAL JUVENILE SYSTEMIC; GRANULOMATOSIS, FAMILIAL, BLAU TYPE; GRANULOMATOUS INFLAMMATORY ARTHRITIS, DERMATITIS, AND UVEITIS, FAMILIAL; JABS SYNDROME. Identifiers: Orphanet 90340, MedGen C5201146, MONDO:0008523, OMIM 186580.
Regional enteritis. Also called: Enteritis, Granulomatous. Identifiers: MedGen C0678202, MeSH D003424.

Submission:

Labcorp Genetics (formerly Invitae), Labcorp
Classification: Uncertain significance for Regional enteritis; Blau syndrome. Last evaluated: 2020-07-30. Review status: criteria provided, single submitter. Criteria: Invitae Variant Classification Sherloc (09022015). Collection method: clinical testing. Allele origin: germline.
Comment: In summary, the available evidence is currently insufficient to determine the role of this variant in disease. Therefore, it has been classified as a Variant of Uncertain Significance. Algorithms developed to predict the effect of sequence changes on RNA splicing suggest that this variant may create or strengthen a splice site, but this prediction has not been confirmed by published transcriptional studies. Advanced modeling of protein sequence and biophysical properties (such as structural, functional, and spatial information, amino acid conservation, physicochemical variation, residue mobility, and thermodynamic stability) performed at Invitae indicates that this missense variant is not expected to disrupt NOD2 protein function. This variant has not been reported in the literature in individuals with NOD2-related conditions. This variant is not present in population databases (ExAC no frequency). This sequence change replaces leucine with valine at codon 41 of the NOD2 protein (p.Leu41Val). The leucine residue is moderately conserved and there is a small physicochemical difference between leucine and valine.

NM_001370466.1(NOD2):c.40C>G (p.Leu14Val)

Gene: NOD2 (nucleotide binding oligomerization domain containing 2; plus strand). Cytogenetic location: 16q12.1.
Variant type: single nucleotide variant.
Coding change: c.40C>G on transcript NM_001370466.1 (MANE Select); coding-DNA position 40, C replaced by G.
Protein change: p.Leu14Val; replaces leucine 14 with valine.
Molecular consequence: missense variant. On other transcripts: non-coding transcript variant (1).
Genome position (GRCh38, 1-based): chr16:50,699,535, C>G. VCF-style: chr16-50699535-C-G. GRCh37 (hg19) VCF-style: chr16-50733446-C-G.
Other names: c.40C>G, p.Leu14Val (NM_001293557.2); c.121C>G, p.Leu41Val (NM_022162.3); short protein forms L14V, L41V.
Identifiers: ClinVar variation 1055441 (VCV001055441.9), dbSNP rs761191478, ClinGen allele CA395865360.